The following is an entry in ClinVar:

ClinVar aggregate classification (germline): Uncertain significance. Review status: criteria provided, multiple submitters, no conflicts (2 of 4 stars). 2 submissions from 2 submitters: Uncertain significance (2). Last evaluated 2026-06-10.

Conditions:
Inborn genetic diseases. Identifiers: MedGen C0950123, MeSH D030342.

Allele frequency attached by ClinVar (database versions not stated): gnomAD 0.00005 and 0.00006; TOPMed 0.00008; ExAC 0.00012.

Submissions (2):

Ambry Genetics
Classification: Uncertain significance for Inborn genetic diseases. Last evaluated: 2026-06-10. Review status: criteria provided, single submitter. Criteria: Ambry Variant Classification Scheme 2023. Collection method: clinical testing. Allele origin: germline.

Labcorp Genetics (formerly Invitae), Labcorp
Classification: Uncertain significance. Last evaluated: 2022-06-20. Review status: criteria provided, single submitter. Criteria: Invitae Variant Classification Sherloc (09022015). Collection method: clinical testing. Allele origin: germline.
Comment: This sequence change replaces alanine, which is neutral and non-polar, with valine, which is neutral and non-polar, at codon 31 of the HPS6 protein (p.Ala31Val). The frequency data for this variant in the population databases is considered unreliable, as metrics indicate poor data quality at this position in the gnomAD database. This variant has not been reported in the literature in individuals affected with HPS6-related conditions. Algorithms developed to predict the effect of missense changes on protein structure and function (SIFT, PolyPhen-2, Align-GVGD) all suggest that this variant is likely to be tolerated. In summary, the available evidence is currently insufficient to determine the role of this variant in disease. Therefore, it has been classified as a Variant of Uncertain Significance.

NM_024747.6(HPS6):c.92C>T (p.Ala31Val)

Genes: HPS6 (HPS6 biogenesis of lysosomal organelles complex 2 subunit 3; plus strand), LOC130004578 (ATAC-STARR-seq lymphoblastoid silent region 2738; plus strand). Cytogenetic location: 10q24.32.
Variant type: single nucleotide variant.
Coding change: c.92C>T on transcript NM_024747.6 (MANE Select); coding-DNA position 92, C replaced by T.
Protein change: p.Ala31Val; replaces alanine 31 with valine.
Molecular consequence: missense variant.
Genome position (GRCh38, 1-based): chr10:102,065,566, C>T. VCF-style: chr10-102065566-C-T. GRCh37 (hg19) VCF-style: chr10-103825323-C-T.
Other names: c.92C>T (NM_024747.5); short protein forms A31V.
Identifiers: ClinVar variation 1498909 (VCV001498909.7), dbSNP rs1188444691, ClinGen allele CA5659742.